The following is an entry in ClinVar:

NM_006302.3(MOGS):c.94_95insTCCG (p.Gly32fs)

Genes: MOGS (mannosyl-oligosaccharide glucosidase; minus strand), LOC129934128 (ATAC-STARR-seq lymphoblastoid silent region 11664; plus strand). Cytogenetic location: 2p13.1.
Variant type: Insertion.
Coding change: c.94_95insTCCG on transcript NM_006302.3 (MANE Select); coding-DNA positions 94 to 95, TCCG inserted.
Protein change: p.Gly32fs; shifts the reading frame from glycine 32.
Molecular consequence: frameshift variant. On other transcripts: intron variant (1).
Genome position: GRCh38 VCF-style: chr2-74465153-C-CCGGA. GRCh37 (hg19) VCF-style: chr2-74692280-C-CCGGA.
Other names: c.-59+160_-59+161insCGTC (NM_001146158.2); short protein forms G32fs.
Identifiers: ClinVar variation 3022833 (VCV003022833.3), dbSNP rs2529505867, ClinGen allele CA2740095670.

ClinVar aggregate classification (germline): Pathogenic (1 of 4 stars; one submission).

Conditions:
MOGS-congenital disorder of glycosylation. Also called: CDG IIb; GLUCOSIDASE I DEFICIENCY; CDG 2B; MOGS-CDG. Identifiers: Orphanet 79330, MedGen C1853736, MONDO:0011629, OMIM 606056.

Submission:

Labcorp Genetics (formerly Invitae), Labcorp
Classification: Pathogenic for MOGS-congenital disorder of glycosylation. Last evaluated: 2023-04-10. Review status: criteria provided, single submitter. Criteria: Invitae Variant Classification Sherloc (09022015). Collection method: clinical testing. Allele origin: germline.
Comment: For these reasons, this variant has been classified as Pathogenic. This variant has not been reported in the literature in individuals affected with MOGS-related conditions. This variant is not present in population databases (gnomAD no frequency). This sequence change creates a premature translational stop signal (p.Gly32Valfs*9) in the MOGS gene. It is expected to result in an absent or disrupted protein product. Loss-of-function variants in MOGS are known to be pathogenic (PMID: 24716661, 26805780).

Literature cited by the submitters: PubMed 24716661; PubMed 26805780.